The following is an entry in ClinVar:

NM_003265.3(TLR3):c.242A>G (p.Asp81Gly)

Gene: TLR3 (toll like receptor 3; plus strand). Cytogenetic location: 4q35.1.
Variant type: single nucleotide variant.
Coding change: c.242A>G on transcript NM_003265.3 (MANE Select); coding-DNA position 242, A replaced by G.
Protein change: p.Asp81Gly; replaces aspartic acid 81 with glycine.
Molecular consequence: missense variant.
Genome position (GRCh38, 1-based): chr4:186,076,861, A>G. VCF-style: chr4-186076861-A-G. GRCh37 (hg19) VCF-style: chr4-186998015-A-G.
Other names: short protein forms D81G.
Identifiers: ClinVar variation 971924 (VCV000971924.10), dbSNP rs947295812, ClinGen allele CA112539635.

ClinVar aggregate classification (germline): Uncertain significance (1 of 4 stars; one submission).

Conditions:
Encephalopathy, acute, infection-induced (herpes-specific), susceptibility to, 1. Also called: Herpes simplex encephalitis, susceptibility to, 1. Identifiers: Orphanet 1930, MedGen C2750180, MONDO:0024563, OMIM 610551.

Allele frequency attached by ClinVar (database versions not stated): gnomAD exomes 0.00001; gnomAD 0.00001; TOPMed 0.00002.
gnomAD v4.1: 17 of 1,614,038 alleles (0.0011%); highest among the groups gnomAD compares: Admixed American, 0.0017%; no homozygotes.

Submission:

Labcorp Genetics (formerly Invitae), Labcorp
Classification: Uncertain significance for Encephalopathy, acute, infection-induced (herpes-specific), susceptibility to, 1. Last evaluated: 2026-01-12. Review status: criteria provided, single submitter. Criteria: Invitae Variant Classification Sherloc (09022015). Collection method: clinical testing. Allele origin: germline.
Comment: This sequence change replaces aspartic acid, which is acidic and polar, with glycine, which is neutral and non-polar, at codon 81 of the TLR3 protein (p.Asp81Gly). This variant is present in population databases (no rsID available, gnomAD 0.003%). This variant has not been reported in the literature in individuals affected with TLR3-related conditions. ClinVar contains an entry for this variant (Variation ID: 971924). An algorithm developed to predict the effect of missense changes on protein structure and function (PolyPhen-2) suggests that this variant is likely to be disruptive. In summary, the available evidence is currently insufficient to determine the role of this variant in disease. Therefore, it has been classified as a Variant of Uncertain Significance.